The following is an entry in ClinVar:

ClinVar aggregate classification (germline): Uncertain significance (1 of 4 stars; one submission).

Conditions:
Hereditary spastic paraplegia 11. Also called: Nakamura Osame syndrome; Autosomal recessive hereditary spastic paraplegia, mental impairment, and thin corpus callosum; Spastic Paraplegia 11; Spastic paraplegia, mental retardation and thin corpus callosum; SPASTIC PARAPLEGIA, AUTOSOMAL RECESSIVE, COMPLICATED, WITH THIN CORPUS CALLOSUM; SPASTIC PARAPLEGIA, AUTOSOMAL RECESSIVE, WITH MENTAL IMPAIRMENT AND THIN CORPUS CALLOSUM. Identifiers: Orphanet 2822, MedGen C1858479, MONDO:0011445, OMIM 604360.

Submission:

Labcorp Genetics (formerly Invitae), Labcorp
Classification: Uncertain significance for Hereditary spastic paraplegia 11. Last evaluated: 2019-10-16. Review status: criteria provided, single submitter. Criteria: Invitae Variant Classification Sherloc (09022015). Collection method: clinical testing. Allele origin: germline.
Comment: In summary, the available evidence is currently insufficient to determine the role of this variant in disease. Therefore, it has been classified as a Variant of Uncertain Significance. Algorithms developed to predict the effect of missense changes on protein structure and function are either unavailable or do not agree on the potential impact of this missense change (SIFT: "Deleterious"; PolyPhen-2: "Possibly Damaging"; Align-GVGD: "Class C0"). This variant has not been reported in the literature in individuals with SPG11-related conditions. This variant is not present in population databases (ExAC no frequency). This sequence change replaces isoleucine with threonine at codon 2381 of the SPG11 protein (p.Ile2381Thr). The isoleucine residue is highly conserved and there is a moderate physicochemical difference between isoleucine and threonine.

NM_025137.4(SPG11):c.7142T>C (p.Ile2381Thr)

Gene: SPG11 (SPG11 vesicle trafficking associated, spatacsin; minus strand). Cytogenetic location: 15q21.1.
Variant type: single nucleotide variant.
Coding change: c.7142T>C on transcript NM_025137.4 (MANE Select); coding-DNA position 7142, T replaced by C.
Protein change: p.Ile2381Thr; replaces isoleucine 2381 with threonine.
Molecular consequence: missense variant.
Genome position (GRCh38, 1-based): chr15:44,564,556, A>G on the plus strand (T>C on the coding strand, the complement: SPG11 is on the minus strand). VCF-style: chr15-44564556-A-G. GRCh37 (hg19) VCF-style: chr15-44856754-A-G.
Other names: c.6803T>C, p.Ile2268Thr (NM_001160227.2); short protein forms I2381T, I2268T.
Identifiers: ClinVar variation 964620 (VCV000964620.9), dbSNP rs2082271089, ClinGen allele CA392212278.